The following is an entry in ClinVar:

NM_000260.4(MYO7A):c.5510T>A (p.Leu1837His)

Gene: MYO7A (myosin VIIA; plus strand). Cytogenetic location: 11q13.5.
Variant type: single nucleotide variant.
Coding change: c.5510T>A on transcript NM_000260.4 (MANE Select); coding-DNA position 5510, T replaced by A.
Protein change: p.Leu1837His; replaces leucine 1837 with histidine.
Molecular consequence: missense variant.
Genome position (GRCh38, 1-based): chr11:77,205,491, T>A. VCF-style: chr11-77205491-T-A. GRCh37 (hg19) VCF-style: chr11-76916536-T-A.
Other names: NP_000251.3:p.(Leu1837His); c.5396T>A, p.Leu1799His (NM_001127180.2); c.5363T>A, p.Leu1788His (NM_001369365.1); short protein forms L1788H, L1837H, L1799H.
Identifiers: ClinVar variation 1457981 (VCV001457981.12), dbSNP rs1385324903, ClinGen allele CA381952897.

ClinVar aggregate classification (germline): Pathogenic. Review status: criteria provided, multiple submitters, no conflicts (2 of 4 stars). 4 submissions from 4 submitters: Pathogenic (4). Last evaluated 2026-03-05.

Conditions:
Usher syndrome. Also called: Usher Syndromes; Usher's syndrome. Identifiers: Orphanet 886, MedGen CN469326, MeSH D052245, MONDO:0019501. Disease mechanism: loss of function.
Usher syndrome type 1 (USH1). Also called: RETINITIS PIGMENTOSA AND CONGENITAL DEAFNESS. Identifiers: Orphanet 231169, Orphanet 886, MedGen C1568247, MONDO:0010168, OMIM 276900.

gnomAD v4.1: 3 of 1,589,530 alleles (0.00019%); highest among the groups gnomAD compares: Non-Finnish European, 0.00017%; no homozygotes.

Submissions (4):

Mendelics
Classification: Pathogenic for Usher syndrome type 1. Last evaluated: 2026-03-05. Review status: criteria provided, single submitter. Criteria: ACMG Guidelines, 2015. Collection method: clinical testing. Allele origin: unknown.
Comment: Likely pathogenic/Pathogenic according to ACMG criteria.

Labcorp Genetics (formerly Invitae), Labcorp
Classification: Pathogenic. Last evaluated: 2025-11-10. Review status: criteria provided, single submitter. Criteria: Invitae Variant Classification Sherloc (09022015). Collection method: clinical testing. Allele origin: germline.
Comment: This sequence change replaces leucine, which is neutral and non-polar, with histidine, which is basic and polar, at codon 1837 of the MYO7A protein (p.Leu1837His). This variant is not present in population databases (gnomAD no frequency). This missense change has been observed in individuals with clinical features of autosomal recessive Usher syndrome (PMID: 27460420; internal data). ClinVar contains an entry for this variant (Variation ID: 1457981). Invitae Evidence Modeling of protein sequence and biophysical properties (such as structural, functional, and spatial information, amino acid conservation, physicochemical variation, residue mobility, and thermodynamic stability) indicates that this missense variant is expected to disrupt MYO7A protein function with a positive predictive value of 95%. This variant disrupts the p.Leu1837 amino acid residue in MYO7A. Other variant(s) that disrupt this residue have been determined to be pathogenic (PMID: 26338283, 29625443). This suggests that this residue is clinically significant, and that variants that disrupt this residue are likely to be disease-causing. For these reasons, this variant has been classified as Pathogenic.

Dasa
Classification: Pathogenic. Last evaluated: 2025-09-19. Review status: criteria provided, single submitter. Criteria: DASA Assertion Criteria. Collection method: clinical testing. Allele origin: germline.
Comment: NM_000260.4(MYO7A):c.5510T>A (p.Leu1837His) is a missense variant that results in the substitution of leucine with histidine. The affected residue or protein region has prior evidence supporting clinical relevance. This variant has been recurrently observed in individuals with MYO7A-related disorders (PMID: 27460420; PMID: 36909829; PMID: 38189974; PMID: 39806488). Also, this variant is rare in population databases. Computational evidence supports a deleterious effect. Based on the currently available evidence, this variant is classified as pathogenic.

Ophthalmic Genetics Group, Institute of Molecular and Clinical Ophthalmology Basel
Classification: Pathogenic for Usher syndrome. Last evaluated: 2023-07-24. Review status: criteria provided, single submitter. Criteria: ACMG Guidelines, 2015. Collection method: research. Allele origin: germline. Affected: yes. Observed: 2 variant alleles.
Comment: Clinical significance based on ACMG v2.0

This variant was classified as Pathogenic based on ACMG criteria: PP3, PP5, PM2, PM5.

Literature cited by the submitters: PubMed 27460420 (cited by Labcorp Genetics (formerly Invitae), Labcorp and Dasa); PubMed 26338283 (cited by Labcorp Genetics (formerly Invitae), Labcorp); PubMed 29625443 (cited by Labcorp Genetics (formerly Invitae), Labcorp); PubMed 36909829 (cited by Dasa and Ophthalmic Genetics Group, Institute of Molecular and Clinical Ophthalmology Basel); PubMed 38189974 (cited by Dasa); PubMed 39806488 (cited by Dasa).